The following is an entry in ClinVar:

NM_182931.3(KMT2E):c.2713C>G (p.Pro905Ala)

Gene: KMT2E (lysine methyltransferase 2E (inactive); plus strand). Cytogenetic location: 7q22.3.
Variant type: single nucleotide variant.
Coding change: c.2713C>G on transcript NM_182931.3 (MANE Select); coding-DNA position 2713, C replaced by G.
Protein change: p.Pro905Ala; replaces proline 905 with alanine.
Molecular consequence: missense variant.
Genome position (GRCh38, 1-based): chr7:105,106,638, C>G. VCF-style: chr7-105106638-C-G. GRCh37 (hg19) VCF-style: chr7-104747085-C-G.
Other names: c.2713C>G, p.Pro905Ala (NM_001410908.1, NM_018682.4); c.2713C>G (NM_182931.2); short protein forms P905A.
Identifiers: ClinVar variation 2189930 (VCV002189930.8), dbSNP rs371401904, ClinGen allele CA4424294.
Genomic context (GRCh38, chr7:105,106,638, plus strand): 5'-TCAGAAACCTCCACACCTACTCCTTCCCCGTATGCTACACCAACTCACACCGATATTACT[C>G]CTATGGACCCATCTTTTGCCACGCCTCCACGGATAAAATCAGATGATGAAACTTGTAGAA-3'
Protein context (NP_891847.1, residues 895-915): YATPTHTDIT[Pro905Ala]MDPSFATPPR

ClinVar aggregate classification (germline): Benign/Likely benign. Review status: criteria provided, multiple submitters, no conflicts (2 of 4 stars). 5 submissions from 5 submitters: Benign (1); Likely benign (4). Last evaluated 2026-07-01.

Conditions:
Inborn genetic diseases. Identifiers: MedGen C0950123, MeSH D030342.
KMT2E-related disorder. Also called: KMT2E-related condition.

Allele frequency attached by ClinVar (database versions not stated): ESP Exome Variant Server 0.00008; TOPMed 0.00014.
gnomAD v4.1: 157 of 1,614,000 alleles (0.0097%); highest among the groups gnomAD compares: Middle Eastern, 0.016%; 1 homozygote.

Submissions (5):

CeGaT Center for Human Genetics Tuebingen
Classification: Likely benign. Last evaluated: 2026-07-01. Review status: criteria provided, single submitter. Criteria: CeGaT Center For Human Genetics Tuebingen Variant Classification Criteria Version 2. Collection method: clinical testing. Allele origin: germline. Affected: yes. Observed: 1 variant allele.
Comment: KMT2E: BP4, BS1

PreventionGenetics, part of Exact Sciences
Classification: Likely benign for KMT2E-related condition. Last evaluated: 2026-02-19. Review status: criteria provided, single submitter. Criteria: ACMG Guidelines, 2015. Collection method: clinical testing. Allele origin: germline.
Comment: This variant is classified as likely benign based on ACMG/AMP sequence variant interpretation guidelines (Richards et al. 2015 PMID: 25741868, with internal and published modifications).

Labcorp Genetics (formerly Invitae), Labcorp
Classification: Benign. Last evaluated: 2025-12-09. Review status: criteria provided, single submitter. Criteria: Invitae Variant Classification Sherloc (09022015). Collection method: clinical testing. Allele origin: germline.

Blueprint Genetics
Classification: Likely benign. Last evaluated: 2024-09-24. Review status: criteria provided, single submitter. Criteria: ACMG Guidelines, 2015. Collection method: clinical testing. Allele origin: germline.

Ambry Genetics
Classification: Likely benign for Inborn genetic diseases. Last evaluated: 2024-01-02. Review status: criteria provided, single submitter. Criteria: Ambry Variant Classification Scheme 2023. Collection method: clinical testing. Allele origin: germline.